The following is an entry in ClinVar:

NM_033305.3(VPS13A):c.9189+1G>A

Gene: VPS13A (vacuolar protein sorting 13 homolog A; plus strand). Cytogenetic location: 9q21.2.
Variant type: single nucleotide variant.
Coding change: c.9189+1G>A on transcript NM_033305.3 (MANE Select); the canonical splice donor site of the intron after coding-DNA position 9189, G replaced by A.
Molecular consequence: splice donor variant.
Genome position (GRCh38, 1-based): chr9:77,382,088, G>A. VCF-style: chr9-77382088-G-A. GRCh37 (hg19) VCF-style: chr9-79997004-G-A.
Other names: c.9072+1G>A (NM_001018037.2); c.9189+1G>A (NM_015186.4, NM_001018038.3).
Identifiers: ClinVar variation 2843408 (VCV002843408.4), dbSNP rs2538255976, ClinGen allele CA373870653.

ClinVar aggregate classification (germline): Likely pathogenic. Review status: criteria provided, multiple submitters, no conflicts (2 of 4 stars). 2 submissions from 2 submitters: Likely pathogenic (2). Last evaluated 2026-07-07.

Conditions:
VPS13A-related neurodegenerative disease. Also called: LEVINE-CRITCHLEY SYNDROME; Choreaacanthocytosis; ACANTHOCYTOSIS WITH NEUROLOGIC DISORDER; VPS13A Disease; Choreoacanthocytosis; Chorea-acanthocytosis. Identifiers: Orphanet 2388, MedGen C0393576, MONDO:0008695, OMIM 200150.

Submissions (2):

Myriad Genetics, Inc.
Classification: Likely pathogenic for VPS13A-related neurodegenerative disease. Last evaluated: 2026-07-07. Review status: criteria provided, single submitter. Criteria: Myriad Autosomal Dominant, Autosomal Recessive and X-Linked Classification Criteria (2023). Collection method: clinical testing. Allele origin: unknown.
Comment: NM_033305.2(VPS13A):c.9189+1G>A is a variant in a canonical splice site classified as likely pathogenic in the context of VPS13A disease. c.9189+1G>A has not been observed in cases with relevant disease. Relevant functional assessments of this variant are not available in the literature. c.9189+1G>A has not been observed in referenced population frequency databases. In summary, NM_033305.2(VPS13A):c.9189+1G>A is a variant in a canonical splice site in a gene where loss of function is a known mechanism of disease and is predicted to disrupt protein function. Please note: this variant was assessed in the context of healthy population screening.

Labcorp Genetics (formerly Invitae), Labcorp
Classification: Likely pathogenic. Last evaluated: 2023-03-07. Review status: criteria provided, single submitter. Criteria: Invitae Variant Classification Sherloc (09022015). Collection method: clinical testing. Allele origin: germline.
Comment: This variant is not present in population databases (gnomAD no frequency). This sequence change affects a donor splice site in intron 68 of the VPS13A gene. It is expected to disrupt RNA splicing. Variants that disrupt the donor or acceptor splice site typically lead to a loss of protein function (PMID: 16199547), and loss-of-function variants in VPS13A are known to be pathogenic (PMID: 12404112, 21598378). This variant has not been reported in the literature in individuals affected with VPS13A-related conditions. Algorithms developed to predict the effect of sequence changes on RNA splicing suggest that this variant may disrupt the consensus splice site. In summary, the currently available evidence indicates that the variant is pathogenic, but additional data are needed to prove that conclusively. Therefore, this variant has been classified as Likely Pathogenic.

Literature cited by the submitters: PubMed 16199547 (cited by Labcorp Genetics (formerly Invitae), Labcorp); PubMed 12404112 (cited by Labcorp Genetics (formerly Invitae), Labcorp); PubMed 21598378 (cited by Labcorp Genetics (formerly Invitae), Labcorp).